The following is an entry in ClinVar:

ClinVar aggregate classification (germline): Likely pathogenic (1 of 4 stars; one submission).

Conditions:
Developmental delay, hypotonia, and impaired language (DEDHIL). Identifiers: MedGen C5774202, MONDO:0859280, OMIM 620012.

Submission:

Greenwood Genetic Center Diagnostic Laboratories, Greenwood Genetic Center
Classification: Likely pathogenic for Developmental delay, hypotonia, and impaired language. Last evaluated: 2023-07-13. Review status: criteria provided, single submitter. Criteria: ACMG Guidelines, 2015. Collection method: clinical testing. Allele origin: germline. Affected: yes.
Comment: PS2, PM2, PP2

NM_001349798.2(FBXW7):c.1315A>G (p.Thr439Ala)

Gene: FBXW7 (F-box and WD repeat domain containing 7; minus strand). Cytogenetic location: 4q31.3.
Variant type: single nucleotide variant.
Coding change: c.1315A>G on transcript NM_001349798.2 (MANE Select); coding-DNA position 1315, A replaced by G.
Protein change: p.Thr439Ala; replaces threonine 439 with alanine.
Molecular consequence: missense variant.
Genome position (GRCh38, 1-based): chr4:152,328,311, T>C on the plus strand (A>G on the coding strand, the complement: FBXW7 is on the minus strand). VCF-style: chr4-152328311-T-C. GRCh37 (hg19) VCF-style: chr4-153249463-T-C.
Other names: c.961A>G, p.Thr321Ala (NM_001013415.2); c.1075A>G, p.Thr359Ala (NM_018315.5); c.1315A>G, p.Thr439Ala (NM_033632.3); short protein forms T321A, T359A, T439A.
Identifiers: ClinVar variation 2626983 (VCV002626983.1), dbSNP rs2530191471, ClinGen allele CA358618930.